The following is an entry in ClinVar:

NM_006231.4(POLE):c.5467C>T (p.Arg1823Cys)

Gene: POLE (DNA polymerase epsilon, catalytic subunit; minus strand). Cytogenetic location: 12q24.33.
Variant type: single nucleotide variant.
Coding change: c.5467C>T on transcript NM_006231.4 (MANE Select); coding-DNA position 5467, C replaced by T.
Protein change: p.Arg1823Cys; replaces arginine 1823 with cysteine.
Molecular consequence: missense variant.
Genome position (GRCh38, 1-based): chr12:132,639,210, G>A on the plus strand (C>T on the coding strand, the complement: POLE is on the minus strand). VCF-style: chr12-132639210-G-A. GRCh37 (hg19) VCF-style: chr12-133215796-G-A.
Other names: short protein forms R1823C.
Identifiers: ClinVar variation 473733 (VCV000473733.19), dbSNP rs753627422, ClinGen allele CA6892518.

ClinVar aggregate classification (germline): Uncertain significance. Review status: criteria provided, multiple submitters, no conflicts (2 of 4 stars). 4 submissions from 4 submitters: Uncertain significance (4). Last evaluated 2025-12-29.

Conditions:
Hereditary cancer-predisposing syndrome. Also called: Neoplastic Syndromes, Hereditary; Tumor predisposition; Hereditary Cancer Syndrome; Hereditary neoplastic syndrome. Identifiers: Orphanet 140162, MedGen C0027672, MeSH D009386, MONDO:0015356.

Allele frequency attached by ClinVar (database versions not stated): gnomAD exomes 0.00001 and 0.00003; TOPMed 0.00001; ExAC 0.00004.
gnomAD v4.1: 12 of 1,614,042 alleles (0.00074%); highest among the groups gnomAD compares: Admixed American, 0.0033%; no homozygotes.

Submissions (4):

Center for Genomic Medicine, Rigshospitalet, Copenhagen University Hospital
Classification: Uncertain significance. Last evaluated: 2025-12-29. Review status: criteria provided, single submitter. Criteria: ACMG Guidelines, 2015. Collection method: clinical testing. Allele origin: germline.

Ambry Genetics
Classification: Uncertain significance for Hereditary cancer-predisposing syndrome. Last evaluated: 2024-12-06. Review status: criteria provided, single submitter. Criteria: Ambry Variant Classification Scheme 2023. Collection method: clinical testing. Allele origin: germline.
Comment: The p.R1823C variant (also known as c.5467C>T), located in coding exon 40 of the POLE gene, results from a C to T substitution at nucleotide position 5467. The arginine at codon 1823 is replaced by cysteine, an amino acid with highly dissimilar properties. This amino acid position is highly conserved in available vertebrate species. In addition, the in silico prediction for this alteration is inconclusive. Based on the available evidence, the clinical significance of this variant remains unclear.

Labcorp Genetics (formerly Invitae), Labcorp
Classification: Uncertain significance. Last evaluated: 2024-10-03. Review status: criteria provided, single submitter. Criteria: Invitae Variant Classification Sherloc (09022015). Collection method: clinical testing. Allele origin: germline.
Comment: This sequence change replaces arginine, which is basic and polar, with cysteine, which is neutral and slightly polar, at codon 1823 of the POLE protein (p.Arg1823Cys). This variant is present in population databases (rs753627422, gnomAD 0.006%). This variant has not been reported in the literature in individuals affected with POLE-related conditions. ClinVar contains an entry for this variant (Variation ID: 473733). Invitae Evidence Modeling of protein sequence and biophysical properties (such as structural, functional, and spatial information, amino acid conservation, physicochemical variation, residue mobility, and thermodynamic stability) indicates that this missense variant is expected to disrupt POLE protein function with a positive predictive value of 80%. In summary, the available evidence is currently insufficient to determine the role of this variant in disease. Therefore, it has been classified as a Variant of Uncertain Significance.

GeneDx
Classification: Uncertain significance. Last evaluated: 2024-02-12. Review status: criteria provided, single submitter. Criteria: GeneDx Variant Classification Process June 2021. Collection method: clinical testing. Allele origin: germline. Affected: yes.
Comment: In silico analysis supports that this missense variant has a deleterious effect on protein structure/function; Observed in an individual with personal and/or family history of breast and/or ovarian cancer (PMID: 35534704); This variant is associated with the following publications: (PMID: 35534704)